The following is an entry in ClinVar:

ClinVar aggregate classification (germline): Pathogenic (1 of 4 stars; one submission).

Conditions:
Hereditary cancer-predisposing syndrome. Also called: Hereditary Cancer Syndrome; Neoplastic Syndromes, Hereditary; Hereditary neoplastic syndrome; Tumor predisposition. Identifiers: Orphanet 140162, MedGen C0027672, MeSH D009386, MONDO:0015356.

Submission:

Ambry Genetics
Classification: Pathogenic for Hereditary cancer-predisposing syndrome. Last evaluated: 2016-08-24. Review status: criteria provided, single submitter. Criteria: Ambry Variant Classification Scheme 2023. Collection method: clinical testing. Allele origin: germline.
Comment: The c.937dupC pathogenic mutation, located in coding exon 7 of the DICER1 gene, results from a duplication of C at nucleotide position 937, causing a translational frameshift with a predicted alternate stop codon. This alteration is expected to result in loss of function by premature protein truncation or nonsense-mediated mRNA decay. As such, this alteration is interpreted as a disease-causing mutation.

NM_177438.3(DICER1):c.937dup (p.Leu313fs)

Gene: DICER1 (dicer 1, ribonuclease III; minus strand). Cytogenetic location: 14q32.13.
Variant type: Duplication.
Coding change: c.937dup on transcript NM_177438.3 (MANE Select); coding-DNA position 937, one base duplicated (C; older notation c.937dupC).
Protein change: p.Leu313fs; shifts the reading frame from leucine 313.
Molecular consequence: frameshift variant.
Genome position (GRCh38, 1-based): chr14:95,124,635, G duplicated on the plus strand (C on the coding strand, the reverse complement: DICER1 is on the minus strand). VCF-style (leftmost placement, unchanged base first): chr14-95124634-A-AG. GRCh37 (hg19) VCF-style: chr14-95590971-A-AG.
Other names: c.937dup, p.Leu313fs (NM_001195573.1, NM_001271282.3, NM_001291628.2 and 1 more transcripts); c.937dupC (NM_177438.2); short protein forms L313fs.
Identifiers: ClinVar variation 429142 (VCV000429142.5), dbSNP rs1131691212, ClinGen allele CA645369582.
Genomic context (GRCh38, chr14:95,124,634, plus strand): 5'-ATGTATTTCTGTAGTTCTCTTACCATCATTCCAGCTACTTTATCTGCACACCAGGGTCCC[A>AG]GAACTACCAATACGGCACGACAGTCTGATAGTATCTACAAAAAAAAGAAAAGAAAAAACC-3'